The following is an entry in ClinVar:

NM_000934.4(SERPINF2):c.357C>A (p.His119Gln)

Gene: SERPINF2 (serpin family F member 2; plus strand). Cytogenetic location: 17p13.3.
Variant type: single nucleotide variant.
Coding change: c.357C>A on transcript NM_000934.4 (MANE Select); coding-DNA position 357, C replaced by A.
Protein change: p.His119Gln; replaces histidine 119 with glutamine.
Molecular consequence: missense variant. On other transcripts: intron variant (1).
Genome position (GRCh38, 1-based): chr17:1,745,899, C>A. VCF-style: chr17-1745899-C-A. GRCh37 (hg19) VCF-style: chr17-1649193-C-A.
Other names: c.357C>A, p.His119Gln (NM_001165920.1); c.175+494C>A (NM_001165921.2); short protein forms H119Q.
Identifiers: ClinVar variation 2647209 (VCV002647209.24), dbSNP rs777265581, ClinGen allele CA397564024.

ClinVar aggregate classification (germline): Uncertain significance (1 of 4 stars; one submission).

gnomAD v4.1: 1 of 1,614,026 alleles (0.000062%); highest among the groups gnomAD compares: Non-Finnish European, 0.000085%; no homozygotes.

Submission:

CeGaT Center for Human Genetics Tuebingen
Classification: Uncertain significance. Last evaluated: 2023-06-01. Review status: criteria provided, single submitter. Criteria: CeGaT Center For Human Genetics Tuebingen Variant Classification Criteria Version 2. Collection method: clinical testing. Allele origin: germline. Affected: yes. Observed: 1 variant allele.
Comment: SERPINF2: PM2, BP4